The following is an entry in ClinVar:

ClinVar aggregate classification (germline): Benign/Likely benign. Review status: criteria provided, multiple submitters, no conflicts (2 of 4 stars). 3 submissions from 3 submitters: Benign (1); Likely benign (2). Last evaluated 2025-09-15.

Conditions:
Hereditary cancer-predisposing syndrome. Also called: Neoplastic Syndromes, Hereditary; Hereditary neoplastic syndrome; Tumor predisposition; Hereditary Cancer Syndrome. Identifiers: Orphanet 140162, MedGen C0027672, MeSH D009386, MONDO:0015356.
Tuberous sclerosis 1 (TSC1). Identifiers: Orphanet 805, MedGen C1854465, MONDO:0008612, OMIM 191100.

Allele frequency attached by ClinVar (database versions not stated): gnomAD 0.00001.
gnomAD v4.1: 1 of 1,613,936 alleles (0.000062%); highest among the groups gnomAD compares: Admixed American, 0.0017%; no homozygotes.

Submissions (3):

Labcorp Genetics (formerly Invitae), Labcorp
Classification: Likely benign for Tuberous sclerosis 1. Last evaluated: 2025-09-15. Review status: criteria provided, single submitter. Criteria: Invitae Variant Classification Sherloc (09022015). Collection method: clinical testing. Allele origin: germline.

Myriad Genetics, Inc.
Classification: Benign for Tuberous sclerosis 1. Last evaluated: 2025-04-29. Review status: criteria provided, single submitter. Criteria: Myriad Autosomal Dominant, Autosomal Recessive and X-Linked Classification Criteria (2023). Collection method: clinical testing. Allele origin: unknown.
Comment: This variant is considered benign. This variant is a silent/synonymous amino acid change and it is not expected to impact splicing.

Ambry Genetics
Classification: Likely benign for Hereditary cancer-predisposing syndrome. Last evaluated: 2021-03-25. Review status: criteria provided, single submitter. Criteria: Ambry Variant Classification Scheme 2023. Collection method: clinical testing. Allele origin: germline.

NM_000368.5(TSC1):c.2745C>T (p.His915=)

Gene: TSC1 (TSC complex subunit 1; minus strand). Cytogenetic location: 9q34.13.
Variant type: single nucleotide variant.
Coding change: c.2745C>T on transcript NM_000368.5 (MANE Select); coding-DNA position 2745, C replaced by T.
Protein change: p.His915=; no amino-acid change (histidine 915 retained).
Molecular consequence: synonymous variant.
Genome position (GRCh38, 1-based): chr9:132,897,491, G>A on the plus strand (C>T on the coding strand, the complement: TSC1 is on the minus strand). VCF-style: chr9-132897491-G-A. GRCh37 (hg19) VCF-style: chr9-135772878-G-A.
Other names: c.2742C>T, p.His914= (NM_001162426.2); c.2592C>T, p.His864= (NM_001162427.2); c.2382C>T, p.His794= (NM_001362177.2).
Identifiers: ClinVar variation 1137045 (VCV001137045.12), dbSNP rs1392904165, ClinGen allele CA467812805.